The following is an entry in ClinVar:

ClinVar aggregate classification (germline): Uncertain significance (1 of 4 stars; one submission).

gnomAD v4.1: 11 of 1,560,860 alleles (0.0007%); highest among the groups gnomAD compares: Non-Finnish European, 0.00096%; no homozygotes.

Submission:

Labcorp Genetics (formerly Invitae), Labcorp
Classification: Uncertain significance. Last evaluated: 2022-06-14. Review status: criteria provided, single submitter. Criteria: Invitae Variant Classification Sherloc (09022015). Collection method: clinical testing. Allele origin: germline.
Comment: In summary, the available evidence is currently insufficient to determine the role of this variant in disease. Therefore, it has been classified as a Variant of Uncertain Significance. Algorithms developed to predict the effect of missense changes on protein structure and function (SIFT, PolyPhen-2, Align-GVGD) all suggest that this variant is likely to be disruptive. This variant has not been reported in the literature in individuals affected with MPDZ-related conditions. This variant is not present in population databases (gnomAD no frequency). This sequence change replaces glycine, which is neutral and non-polar, with valine, which is neutral and non-polar, at codon 1184 of the MPDZ protein (p.Gly1184Val).

NM_001378778.1(MPDZ):c.3551G>T (p.Gly1184Val)

Gene: MPDZ (multiple PDZ domain crumbs cell polarity complex component; minus strand). Cytogenetic location: 9p23.
Variant type: single nucleotide variant.
Coding change: c.3551G>T on transcript NM_001378778.1 (MANE Select); coding-DNA position 3551, G replaced by T.
Protein change: p.Gly1184Val; replaces glycine 1184 with valine.
Molecular consequence: missense variant.
Genome position (GRCh38, 1-based): chr9:13,150,590, C>A on the plus strand (G>T on the coding strand, the complement: MPDZ is on the minus strand). VCF-style: chr9-13150590-C-A. GRCh37 (hg19) VCF-style: chr9-13150589-C-A.
Other names: c.3551G>T, p.Gly1184Val (NM_001261406.2, NM_001261407.2, NM_001330637.2 and 13 more transcripts); c.3353G>T, p.Gly1118Val (NM_001375427.1); short protein forms G1118V, G1184V.
Identifiers: ClinVar variation 2006785 (VCV002006785.4), dbSNP rs747166942, ClinGen allele CA372951048.